The following is an entry in ClinVar:

ClinVar aggregate classification (germline): Uncertain significance (1 of 4 stars; one submission).

Allele frequency attached by ClinVar (database versions not stated): gnomAD exomes below 0.00001.
gnomAD v4.1: 2 of 1,613,880 alleles (0.00012%); highest among the groups gnomAD compares: Non-Finnish European, 0.00017%; no homozygotes.

Submission:

Ambry Genetics
Classification: Uncertain significance. Last evaluated: 2023-10-19. Review status: criteria provided, single submitter. Criteria: Ambry Variant Classification Scheme 2023. Collection method: clinical testing. Allele origin: germline.
Comment: The p.M474I variant (also known as c.1422G>A), located in coding exon 13 of the BUB1 gene, results from a G to A substitution at nucleotide position 1422. The methionine at codon 474 is replaced by isoleucine, an amino acid with highly similar properties. This amino acid position is conserved. In addition, this alteration is predicted to be tolerated by in silico analysis. Since supporting evidence is limited at this time, the clinical significance of this alteration remains unclear.

NM_004336.5(BUB1):c.1422G>A (p.Met474Ile)

Gene: BUB1 (BUB1 mitotic checkpoint serine/threonine kinase; minus strand). Cytogenetic location: 2q13.
Variant type: single nucleotide variant.
Coding change: c.1422G>A on transcript NM_004336.5 (MANE Select); coding-DNA position 1422, G replaced by A.
Protein change: p.Met474Ile; replaces methionine 474 with isoleucine.
Molecular consequence: missense variant.
Genome position (GRCh38, 1-based): chr2:110,658,504, C>T on the plus strand (G>A on the coding strand, the complement: BUB1 is on the minus strand). VCF-style: chr2-110658504-C-T. GRCh37 (hg19) VCF-style: chr2-111416081-C-T.
Other names: c.1362G>A, p.Met454Ile (NM_001278616.2); c.1422G>A, p.Met474Ile (NM_001278617.2); short protein forms M454I, M474I.
Identifiers: ClinVar variation 1772288 (VCV001772288.2), dbSNP rs896441250, ClinGen allele CA53534461.